The following is an entry in ClinVar:

ClinVar aggregate classification (germline): Uncertain significance. Review status: criteria provided, multiple submitters, no conflicts (2 of 4 stars). 2 submissions from 2 submitters: Uncertain significance (2). Last evaluated 2025-05-03.

Conditions:
Aicardi-Goutieres syndrome 2. Identifiers: Orphanet 51, MedGen C3489724, MONDO:0012429, OMIM 610181.
Inborn genetic diseases. Identifiers: MedGen C0950123, MeSH D030342.

Allele frequency attached by ClinVar (database versions not stated): gnomAD 0.00002 and 0.00003; gnomAD exomes 0.00002 and 0.00001; ExAC 0.00001; TOPMed 0.00004.
gnomAD v4.1: 10 of 1,576,122 alleles (0.00063%); highest among the groups gnomAD compares: African/African-American, 0.012%; no homozygotes.

Submissions (2):

Ambry Genetics
Classification: Uncertain significance for Inborn genetic diseases. Last evaluated: 2025-05-03. Review status: criteria provided, single submitter. Criteria: Ambry Variant Classification Scheme 2023. Collection method: clinical testing. Allele origin: germline.

Labcorp Genetics (formerly Invitae), Labcorp
Classification: Uncertain significance for Aicardi-Goutieres syndrome 2. Last evaluated: 2022-07-11. Review status: criteria provided, single submitter. Criteria: Invitae Variant Classification Sherloc (09022015). Collection method: clinical testing. Allele origin: germline.
Comment: This sequence change replaces asparagine, which is neutral and polar, with threonine, which is neutral and polar, at codon 147 of the RNASEH2B protein (p.Asn147Thr). This variant is present in population databases (rs746633003, gnomAD 0.03%). This variant has not been reported in the literature in individuals affected with RNASEH2B-related conditions. ClinVar contains an entry for this variant (Variation ID: 1469993). Algorithms developed to predict the effect of missense changes on protein structure and function (SIFT, PolyPhen-2, Align-GVGD) all suggest that this variant is likely to be tolerated. In summary, the available evidence is currently insufficient to determine the role of this variant in disease. Therefore, it has been classified as a Variant of Uncertain Significance.

NM_024570.4(RNASEH2B):c.440A>C (p.Asn147Thr)

Gene: RNASEH2B (ribonuclease H2 subunit B; plus strand). Cytogenetic location: 13q14.3.
Variant type: single nucleotide variant.
Coding change: c.440A>C on transcript NM_024570.4 (MANE Select); coding-DNA position 440, A replaced by C.
Protein change: p.Asn147Thr; replaces asparagine 147 with threonine.
Molecular consequence: missense variant.
Genome position (GRCh38, 1-based): chr13:50,943,324, A>C. VCF-style: chr13-50943324-A-C. GRCh37 (hg19) VCF-style: chr13-51517460-A-C.
Other names: c.440A>C, p.Asn147Thr (NM_001142279.2); c.440A>C (NM_024570.3); short protein forms N147T.
Identifiers: ClinVar variation 1469993 (VCV001469993.6), dbSNP rs746633003, ClinGen allele CA6985584.
Genomic context (GRCh38, chr13:50,943,324, plus strand): 5'-CCTTAGGAGTTTATTTTTTTTTTAATTCATTGTGCTGAGTCTTTTTTTTCTTTTAAGGTA[A>C]TCCAGAAATAGACAACAAGAAATATTACAAGTACAGCAAAGAGAAGACATTAAAGTGGCT-3'
Protein context (NP_078846.2, residues 137-157): LLHHVTEEKG[Asn147Thr]PEIDNKKYYK